The following is an entry in ClinVar:

NM_020117.11(LARS1):c.2628+201C>T

Gene: LARS1 (leucyl-tRNA synthetase 1; minus strand). Cytogenetic location: 5q32.
Variant type: single nucleotide variant.
Coding change: c.2628+201C>T on transcript NM_020117.11 (MANE Select); 201 bases into the intron after coding-DNA position 2628, C replaced by T.
Molecular consequence: intron variant.
Genome position (GRCh38, 1-based): chr5:146,129,817, G>A on the plus strand (C>T on the coding strand, the complement: LARS1 is on the minus strand). VCF-style: chr5-146129817-G-A. GRCh37 (hg19) VCF-style: chr5-145509380-G-A.
Other names: c.2466+201C>T (NM_001317965.2); c.2547+201C>T (NM_016460.4); c.2490+201C>T (NM_001317964.2).
Identifiers: ClinVar variation 684233 (VCV000684233.1), dbSNP rs17104266, ClinGen allele CA128839326.

ClinVar aggregate classification (germline): Benign (1 of 4 stars; one submission).

Allele frequency attached by ClinVar (database versions not stated): 1000 Genomes Project 0.04273; 1000 Genomes Project 30x 0.04357; TOPMed 0.06105; gnomAD 0.06151 and 0.06252.
gnomAD v4.1: 9,322 of 152,174 alleles (6.1%); highest among the groups gnomAD compares: Non-Finnish European, 6.9%; 329 homozygotes.

Submission:

GeneDx
Classification: Benign. Last evaluated: 2018-06-14. Review status: criteria provided, single submitter. Criteria: GeneDx Variant Classification (06012015). Collection method: clinical testing. Allele origin: germline. Affected: yes.
Comment: This variant is considered likely benign or benign based on one or more of the following criteria: it is a conservative change, it occurs at a poorly conserved position in the protein, it is predicted to be benign by multiple in silico algorithms, and/or has population frequency not consistent with disease.